The following is an entry in ClinVar:

ClinVar aggregate classification (germline): Likely benign (1 of 4 stars; one submission).

gnomAD v4.1: 9 of 1,611,312 alleles (0.00056%); highest among the groups gnomAD compares: African/African-American, 0.0027%; no homozygotes.

Submission:

CeGaT Center for Human Genetics Tuebingen
Classification: Likely benign. Last evaluated: 2025-09-01. Review status: criteria provided, single submitter. Criteria: CeGaT Center For Human Genetics Tuebingen Variant Classification Criteria Version 2. Collection method: clinical testing. Allele origin: germline. Affected: yes. Observed: 1 variant allele.
Comment: TTI1: BP4, BP7

NM_001303457.2(TTI1):c.3213C>T (p.Ser1071=)

Gene: TTI1 (TELO2 interacting protein 1; minus strand). Cytogenetic location: 20q11.23.
Variant type: single nucleotide variant.
Coding change: c.3213C>T on transcript NM_001303457.2 (MANE Select); coding-DNA position 3213, C replaced by T.
Protein change: p.Ser1071=; no amino-acid change (serine 1071 retained).
Molecular consequence: synonymous variant.
Genome position (GRCh38, 1-based): chr20:37,983,513, G>A on the plus strand (C>T on the coding strand, the complement: TTI1 is on the minus strand). VCF-style: chr20-37983513-G-A. GRCh37 (hg19) VCF-style: chr20-36611915-G-A.
Other names: c.3213C>T, p.Ser1071= (NM_014657.3).
Identifiers: ClinVar variation 4281425 (VCV004281425.7).
Genomic context (GRCh38, chr20:37,983,513, plus strand): 5'-GGGTCACTGCAGCTCCTTGAGCAGCTGGAGCACGTTGGTCGTGTAGGGGTTCTGCTGCCC[G>A]CTGGCCCCGTGCAGCTGCACAGGGTGGAGGCTGGGGTGGGGAGGTGTGAACTGCACGGGG-3'
Protein context (NP_001290386.1, residues 1061-1081): SLHPVQLHGA[Ser1071=]GQQNPYTTNV